The following is an entry in ClinVar:

NC_000016.9:g.(89877480_89880927)_(89883066_?)del

Gene: FANCA (FA complementation group A; minus strand). Cytogenetic location: 16q24.3.
Variant type: Deletion.
Identifiers: ClinVar variation 2501039 (VCV002501039.1).

ClinVar aggregate classification (germline): Pathogenic (1 of 4 stars; one submission).

Conditions:
Fanconi anemia (FA). Also called: Fanconi's anemia. Identifiers: Orphanet 84, MedGen C0015625, MeSH D005199, MONDO:0019391.

Submission:

Women's Health and Genetics/Laboratory Corporation of America, LabCorp
Classification: Pathogenic for Fanconi anemia. Last evaluated: 2023-03-22. Review status: criteria provided, single submitter. Criteria: LabCorp Variant Classification Summary - May 2015. Collection method: clinical testing. Allele origin: germline.
Comment: Variant summary: The variant identified by MLPA or other technology involves the deletion of exons 1-3 in the FANCA gene, where exon 1 contains the translation initiation codon. The exact breakpoint at the 5' end of this variant is unknown and therefore this deletion might extend upstream of the assayed region of the gene. A presumed nomenclature of c.(?_-43)_(283+1_284-1)del has been designated for the purposes of this classification. Although exact breakpoints of this deletion are not known, it is expected to result in an absent or shortened protein product, a known mechanism of disease. The variant was absent in 21694 control chromosomes (gnomAD, structural variants dataset). The variant, c.(?_-43)_(283+1_284-1)del, has been reported in the literature in multiple compound heterozygous individuals affected with Fanconi Anemia (e.g. Castella_2011, Flynn_2014, Mori_2019, Toksoy_2020), who carried another (likely) pathogenic variant in trans. These data indicate that the variant is likely to be associated with disease. One clinical diagnostic laboratory has submitted clinical-significance assessments for this variant to ClinVar after 2014, and classified the variant as pathogenic. Based on the evidence outlined above, the variant was classified as pathogenic.

Literature cited by the submitters: PubMed 30792206; PubMed 21273304; PubMed 25168418; PubMed 33224012.